The following is an entry in ClinVar:

ClinVar aggregate classification (germline): Uncertain significance. Review status: criteria provided, multiple submitters, no conflicts (2 of 4 stars). 2 submissions from 2 submitters: Uncertain significance (2). Last evaluated 2025-03-28.

gnomAD v4.1: 20 of 1,516,492 alleles (0.0013%); highest among the groups gnomAD compares: Non-Finnish European, 0.0016%; no homozygotes.

Submissions (2):

Ambry Genetics
Classification: Uncertain significance. Last evaluated: 2025-03-28. Review status: criteria provided, single submitter. Criteria: Ambry Variant Classification Scheme 2023. Collection method: clinical testing. Allele origin: germline.

Labcorp Genetics (formerly Invitae), Labcorp
Classification: Uncertain significance. Last evaluated: 2024-05-19. Review status: criteria provided, single submitter. Criteria: Invitae Variant Classification Sherloc (09022015). Collection method: clinical testing. Allele origin: germline.
Comment: This sequence change replaces aspartic acid, which is acidic and polar, with glutamic acid, which is acidic and polar, at codon 273 of the SLC7A13 protein (p.Asp273Glu). This variant is present in population databases (no rsID available, gnomAD 0.004%). This variant has not been reported in the literature in individuals affected with SLC7A13-related conditions. An algorithm developed to predict the effect of missense changes on protein structure and function (PolyPhen-2) suggests that this variant is likely to be tolerated. Algorithms developed to predict the effect of sequence changes on RNA splicing suggest that this variant may disrupt the consensus splice site. In summary, the available evidence is currently insufficient to determine the role of this variant in disease. Therefore, it has been classified as a Variant of Uncertain Significance.

NM_138817.3(SLC7A13):c.819T>A (p.Asp273Glu)

Gene: SLC7A13 (solute carrier family 7 member 13; minus strand). Cytogenetic location: 8q21.3.
Variant type: single nucleotide variant.
Coding change: c.819T>A on transcript NM_138817.3 (MANE Select); coding-DNA position 819, T replaced by A.
Protein change: p.Asp273Glu; replaces aspartic acid 273 with glutamic acid.
Molecular consequence: missense variant.
Genome position (GRCh38, 1-based): chr8:86,217,830, A>T on the plus strand (T>A on the coding strand, the complement: SLC7A13 is on the minus strand). VCF-style: chr8-86217830-A-T. GRCh37 (hg19) VCF-style: chr8-87230059-A-T.
Other names: c.819T>A (NM_138817.2); short protein forms D273E.
Identifiers: ClinVar variation 3694246 (VCV003694246.3).